The following is an entry in ClinVar:

NM_000142.5(FGFR3):c.1196G>A (p.Arg399His)

Gene: FGFR3 (fibroblast growth factor receptor 3; plus strand). Cytogenetic location: 4p16.3.
Variant type: single nucleotide variant.
Coding change: c.1196G>A on transcript NM_000142.5 (MANE Select); coding-DNA position 1196, G replaced by A.
Protein change: p.Arg399His; replaces arginine 399 with histidine.
Molecular consequence: missense variant. On other transcripts: non-coding transcript variant (1), intron variant (1).
Genome position (GRCh38, 1-based): chr4:1,804,450, G>A. VCF-style: chr4-1804450-G-A. GRCh37 (hg19) VCF-style: chr4-1806177-G-A.
Other names: c.1202G>A, p.Arg401His (NM_001163213.2); c.1196G>A, p.Arg399His (NM_001354809.2, NM_001354810.2); c.931-374G>A (NM_022965.4); short protein forms R399H, R401H.
Identifiers: ClinVar variation 2582275 (VCV002582275.3), dbSNP rs761896295, ClinGen allele CA2810287.

ClinVar aggregate classification (germline): Uncertain significance. Review status: criteria provided, multiple submitters, no conflicts (2 of 4 stars). 3 submissions from 3 submitters: Uncertain significance (2). 1 of the submissions does not count toward it. Last evaluated 2026-06-23.

Conditions:
Malignant tumor of urinary bladder. Also called: Bladder cancer; Urinary Bladder Neoplasms; Urinary bladder cancer. Identifiers: MedGen C0005684, MONDO:0001187, OMIM 109800.
FGFR3-related chondrodysplasia. Identifiers: Orphanet 93420, MedGen C5681604, MONDO:0019685.

Allele frequency attached by ClinVar (database versions not stated): TOPMed 0.00001; gnomAD exomes 0.00002; ExAC 0.00002; 1000 Genomes Project 30x 0.00016.
gnomAD v4.1: 36 of 1,612,690 alleles (0.0022%); highest among the groups gnomAD compares: Non-Finnish European, 0.0025%; no homozygotes.

Submissions (3):

Genomenon, Inc
Classification: Uncertain significance for FGFR3-related chondrodysplasia. Last evaluated: 2026-06-23. Review status: criteria provided, single submitter. Criteria: Genomenon Sequence Variant Interpretation Standards - Updated. Collection method: curation. Allele origin: germline. Affected: no.
Comment: FGFR3 p.Arg399His (c.1196G>A) is a missense variant that changes the amino acid at codon 399 from Arginine to Histidine. This variant has been reported in the published literature (PMID:35210354). It is absent or not present at a significant frequency in gnomAD. In silico models predict that this variant is not damaging. In conclusion, we classify FGFR3 p.Arg399His (c.1196G>A) as a variant of uncertain significance.

Labcorp Genetics (formerly Invitae), Labcorp
Classification: Uncertain significance. Last evaluated: 2025-04-11. Review status: criteria provided, single submitter. Criteria: Invitae Variant Classification Sherloc (09022015). Collection method: clinical testing. Allele origin: germline.
Comment: This sequence change replaces arginine, which is basic and polar, with histidine, which is basic and polar, at codon 399 of the FGFR3 protein (p.Arg399His). This variant is present in population databases (rs761896295, gnomAD 0.007%). This variant has not been reported in the literature in individuals affected with FGFR3-related conditions. ClinVar contains an entry for this variant (Variation ID: 2582275). An algorithm developed to predict the effect of missense changes on protein structure and function outputs the following: PolyPhen-2: "Benign". The histidine amino acid residue is found in multiple mammalian species, which suggests that this missense change does not adversely affect protein function. In summary, the available evidence is currently insufficient to determine the role of this variant in disease. Therefore, it has been classified as a Variant of Uncertain Significance.

Laboratory of Urology, Hospital Clinic de Barcelona
Classification: Pathogenic for Malignant tumor of urinary bladder. Review status: no assertion criteria provided. Collection method: research. Allele origin: somatic. Affected: yes. Not counted in ClinVar's aggregate classification.

Literature cited by the submitters: PubMed 35210354 (cited by Genomenon, Inc).